The following is an entry in ClinVar:

ClinVar aggregate classification (germline): Benign. Review status: reviewed by expert panel (3 of 4 stars). 6 submissions from 6 submitters: Benign (1). 5 of the submissions do not count toward it. Last evaluated 2024-08-07.

Conditions:
Actin accumulation myopathy (CMYO2A). Also called: Nemaline myopathy type 3; Myopathy, actin, congenital, with excess of thin myofilaments; CONGENITAL MYOPATHY 2A, TYPICAL, AUTOSOMAL DOMINANT; Myopathy, actin, congenital, with cores; Nemaline myopathy 3, with intranuclear rods. Identifiers: Orphanet 98904, MedGen C3711389, MONDO:0008070, OMIM 161800.
Alpha-actinopathy. Also called: Actinopathy. Identifiers: MedGen CN295279, MONDO:0100084.

Submissions (6):

ClinGen Congenital Myopathies Variant Curation Expert Panel, ClinGen
Classification: Benign for Alpha-actinopathy. Last evaluated: 2024-08-07. Review status: reviewed by expert panel. Criteria: ClinGen CongenMyopathy ACMG Specifications ACTA1 AR V1.0.0. Collection method: curation. Allele origin: germline. Inheritance: Autosomal recessive inheritance.
Comment: The NM_001100.4(ACTA1):c.809-13dup variant in ACTA1 is an intronic variant which is located in the 3’ non-canonical splice site of intron 5. The highest population filtering allele frequency in gnomAD v4.1.0 is 0.2123 (1318/5930) in the Middle Eastern population, which is higher than the ClinGen Congenital Myopathies VCEP threshold for BA1, and therefore meets this criterion (BA1). The c.809-13dup is an intronic variant that is not predicted by SpliceAI to impact splicing. In addition, it occurs at a nucleotide that is not conserved as shown by the UCSC Genome Browser (BP4, BP7). In summary, this variant meets the criteria to be classified as benign for alpha-actinopathy based on the ACMG/AMP criteria applied, as specified by the ClinGen Congenital Myopathies VCEP: BA1, BP4, BP7 (ClinGen Congenital Myopathies VCEP specifications version 1; 08/07/2024).

Labcorp Genetics (formerly Invitae), Labcorp
Classification: Benign for Actin accumulation myopathy. Last evaluated: 2026-02-04. Review status: criteria provided, single submitter. Criteria: Invitae Variant Classification Sherloc (09022015). Collection method: clinical testing. Allele origin: germline. Not counted in ClinVar's aggregate classification.

Blueprint Genetics
Classification: Benign. Last evaluated: 2024-11-26. Review status: criteria provided, single submitter. Criteria: ACMG Guidelines, 2015. Collection method: clinical testing. Allele origin: germline. Not counted in ClinVar's aggregate classification.

GeneDx
Classification: Benign. Last evaluated: 2016-02-26. Review status: criteria provided, single submitter. Criteria: GeneDx Variant Classification Process June 2021. Collection method: clinical testing. Allele origin: germline. Affected: yes. Not counted in ClinVar's aggregate classification.

PreventionGenetics, part of Exact Sciences
Classification: Benign. Review status: criteria provided, single submitter. Criteria: ACMG Guidelines, 2015. Collection method: clinical testing. Allele origin: germline. Not counted in ClinVar's aggregate classification.

Eurofins Ntd Llc (ga)
Classification: Benign for AllHighlyPenetrant. Last evaluated: 2013-10-29. Review status: no assertion criteria provided. Collection method: clinical testing. Allele origin: germline. Observed: 1 variant allele, 1 heterozygote. Not counted in ClinVar's aggregate classification.

Literature cited by the submitters: PubMed 23757202 (cited by Eurofins Ntd Llc (ga)).

NM_001100.4(ACTA1):c.809-13dup

Gene: ACTA1 (actin alpha 1, skeletal muscle; minus strand). Cytogenetic location: 1q42.13.
Variant type: Duplication.
Coding change: c.809-13dup on transcript NM_001100.4 (MANE Select); 13 bases into the intron before coding-DNA position 809, one base duplicated (C; older notation c.809-13dupC).
Molecular consequence: intron variant.
Genome position (GRCh38, 1-based): chr1:229,431,914, G duplicated on the plus strand (C on the coding strand, the reverse complement: ACTA1 is on the minus strand); the first of 2 consecutive G bases (chr1:229,431,914-229,431,915); duplicating either gives the same sequence. VCF-style (leftmost placement, unchanged base first): chr1-229431913-C-CG. GRCh37 (hg19) VCF-style: chr1-229567660-C-CG.
Other names: c.809-12dupC (NM_001100.3).
Identifiers: ClinVar variation 93551 (VCV000093551.23), dbSNP rs201427429, ClinGen allele CA147047.